The following is an entry in ClinVar:

ClinVar aggregate classification (germline): Uncertain significance (1 of 4 stars; one submission).

gnomAD v4.1: 1 of 1,596,202 alleles (0.000063%); highest among the groups gnomAD compares: East Asian, 0.0023%; no homozygotes.

Submission:

Ambry Genetics
Classification: Uncertain significance. Last evaluated: 2022-11-11. Review status: criteria provided, single submitter. Criteria: Ambry Variant Classification Scheme 2023. Collection method: clinical testing. Allele origin: germline.
Comment: The p.R1735L variant (also known as c.5204G>T), located in coding exon 39 of the PRKDC gene, results from a G to T substitution at nucleotide position 5204. The arginine at codon 1735 is replaced by leucine, an amino acid with dissimilar properties. This amino acid position is conserved. Since supporting evidence is limited at this time, the clinical significance of this alteration remains unclear.

NM_006904.7(PRKDC):c.5204G>T (p.Arg1735Leu)

Gene: PRKDC (protein kinase, DNA-activated, catalytic subunit; minus strand). Cytogenetic location: 8q11.21.
Variant type: single nucleotide variant.
Coding change: c.5204G>T on transcript NM_006904.7 (MANE Select); coding-DNA position 5204, G replaced by T.
Protein change: p.Arg1735Leu; replaces arginine 1735 with leucine.
Molecular consequence: missense variant.
Genome position (GRCh38, 1-based): chr8:47,879,522, C>A on the plus strand (G>T on the coding strand, the complement: PRKDC is on the minus strand). VCF-style: chr8-47879522-C-A. GRCh37 (hg19) VCF-style: chr8-48792083-C-A.
Other names: c.5204G>T, p.Arg1735Leu (NM_001081640.2); short protein forms R1735L.
Identifiers: ClinVar variation 2449813 (VCV002449813.2), dbSNP rs756568122, ClinGen allele CA371138297.